The following is an entry in ClinVar:

ClinVar aggregate classification (germline): Uncertain significance (1 of 4 stars; one submission).

Conditions:
Polycystic kidney disease, adult type (PKD1). Also called: POLYCYSTIC KIDNEY DISEASE, ADULT, TYPE I; Polycystic Kidney Disease 1, Autosomal Dominant; Polycystic kidney disease 1; Polycystic kidney disease 1, severe; Polycystic Kidney, Autosomal Dominant; POLYCYSTIC KIDNEY DISEASE 1 WITH OR WITHOUT POLYCYSTIC LIVER DISEASE. Identifiers: MedGen C3149841, MONDO:0008263, OMIM 173900.

Submission:

Juno Genomics, Hangzhou Juno Genomics, Inc
Classification: Uncertain significance for Polycystic kidney disease, adult type. Review status: criteria provided, single submitter. Criteria: ACMG Guidelines, 2015. Collection method: clinical testing. Allele origin: germline. Affected: yes.
Comment: Absent from controls (or at extremely low frequency if recessive) in Genome Aggregation Database, Exome Sequencing Project, 1000 Genomes Project, or Exome Aggregation Consortium.;Patient's phenotype or family history is highly specific for a disease with a single genetic etiology.

NM_001009944.3(PKD1):c.5213T>G (p.Leu1738Arg)

Gene: PKD1 (polycystin 1, transient receptor potential channel interacting; minus strand). Cytogenetic location: 16p13.3.
Variant type: single nucleotide variant.
Coding change: c.5213T>G on transcript NM_001009944.3 (MANE Select); coding-DNA position 5213, T replaced by G.
Protein change: p.Leu1738Arg; replaces leucine 1738 with arginine.
Molecular consequence: missense variant.
Genome position (GRCh38, 1-based): chr16:2,109,954, A>C on the plus strand (T>G on the coding strand, the complement: PKD1 is on the minus strand). VCF-style: chr16-2109954-A-C. GRCh37 (hg19) VCF-style: chr16-2159955-A-C.
Other names: c.5213T>G, p.Leu1738Arg (NM_000296.4); short protein forms L1738R.
Identifiers: ClinVar variation 3382975 (VCV003382975.2).